The following is an entry in ClinVar:

ClinVar aggregate classification (germline): Pathogenic. Review status: criteria provided, multiple submitters, no conflicts (2 of 4 stars). 2 submissions from 2 submitters: Pathogenic (2). Last evaluated 2022-11-03.

Conditions:
Developmental and epileptic encephalopathy, 11 (DEE11). Also called: Early infantile epileptic encephalopathy 11. Identifiers: Orphanet 1934, MedGen C3150987, MONDO:0013388, OMIM 613721.

Submissions (2):

Dasa
Classification: Pathogenic for Developmental and epileptic encephalopathy, 11. Last evaluated: 2022-11-03. Review status: criteria provided, single submitter. Criteria: ACMG Guidelines, 2015. Collection method: clinical testing. Allele origin: germline. Observed: 1 variant allele.
Comment: The c.4267G>T;p.(Gly1423*) variant creates a premature translational stop signal in the SCN2A gene. It is expected to result in an absent or disrupted protein product - PVS1. ClinVar contains an entry for this variant (Clinvar ID: 620576) - PS4_supporting. This variant is not present in population databases (rs1553461660 , gnomAD; ABraOM no frequency) - PM2. In summary, the currently available evidence indicates that the variant is pathogenic.

GeneDx
Classification: Pathogenic. Last evaluated: 2019-02-06. Review status: criteria provided, single submitter. Criteria: GeneDx Variant Classification (06012015). Collection method: clinical testing. Allele origin: germline. Affected: yes.
Comment: The G1423X nonsense variant in the SCN2A gene is predicted to cause loss of normal protein function either through protein truncation or nonsense-mediated mRNA decay. The G1423X variant is not observed in large population cohorts (Lek et al., 2016). Although this pathogenic variant has not been reported previously to our knowledge, it is considered a pathogenic variant.

NM_001040142.2(SCN2A):c.4267G>T (p.Gly1423Ter)

Gene: SCN2A (sodium voltage-gated channel alpha subunit 2; plus strand). Cytogenetic location: 2q24.3.
Variant type: single nucleotide variant.
Coding change: c.4267G>T on transcript NM_001040142.2 (MANE Select); coding-DNA position 4267, G replaced by T.
Protein change: p.Gly1423Ter; replaces glycine 1423 with a stop codon.
Molecular consequence: nonsense.
Genome position (GRCh38, 1-based): chr2:165,377,609, G>T. VCF-style: chr2-165377609-G-T. GRCh37 (hg19) VCF-style: chr2-166234119-G-T.
Other names: c.4267G>T, p.Gly1423Ter (NM_001040143.2, NM_001371246.1, NM_001371247.1 and 1 more transcripts); short protein forms G1423*.
Identifiers: ClinVar variation 620576 (VCV000620576.3), dbSNP rs1553461660, ClinGen allele CA349032968.